The following is an entry in ClinVar:

ClinVar aggregate classification (germline): Likely benign. Review status: criteria provided, multiple submitters, no conflicts (2 of 4 stars). 3 submissions from 3 submitters: Likely benign (2). 1 of the submissions does not count toward it. Last evaluated 2025-10-07.

Conditions:
Cardiovascular phenotype. Identifiers: MedGen CN230736.
COL1A2-related disorder. Also called: COL1A2-related condition; COL1A2-Related Disorders.
Ehlers-Danlos syndrome, classic type, 1 (EDSCL1). Also called: Ehlers-Danlos syndrome, type 1; Ehlers-Danlos Syndrome, Classic Type, COL5A1-Related; EDS I; EHLERS-DANLOS SYNDROME, GRAVIS TYPE; EHLERS-DANLOS SYNDROME, SEVERE CLASSIC TYPE. Identifiers: MedGen C0268335, MONDO:0019567, OMIM 130000.
Osteogenesis imperfecta type I (OI1). Also called: Osteogenesis imperfecta type 1; Lobstein's Disease; Lobstein disease; OI, TYPE I; OSTEOGENESIS IMPERFECTA TARDA; OSTEOGENESIS IMPERFECTA WITH BLUE SCLERAE. Identifiers: Orphanet 216796, Orphanet 666, MedGen C0023931, MONDO:0008146, OMIM 166200. Disease mechanism: loss of function.

Allele frequency attached by ClinVar (database versions not stated): gnomAD exomes 0.00002; ExAC 0.00003; TOPMed 0.00003; gnomAD 0.00001.
gnomAD v4.1: 15 of 1,612,886 alleles (0.00093%); highest among the groups gnomAD compares: Admixed American, 0.025%; no homozygotes.

Submissions (3):

Labcorp Genetics (formerly Invitae), Labcorp
Classification: Likely benign for Osteogenesis imperfecta type I; Ehlers-Danlos syndrome, classic type, 1. Last evaluated: 2025-10-07. Review status: criteria provided, single submitter. Criteria: Invitae Variant Classification Sherloc (09022015). Collection method: clinical testing. Allele origin: germline.

Ambry Genetics
Classification: Likely benign for Cardiovascular phenotype. Last evaluated: 2022-03-17. Review status: criteria provided, single submitter. Criteria: Ambry Variant Classification Scheme 2023. Collection method: clinical testing. Allele origin: germline.

PreventionGenetics, part of Exact Sciences
Classification: Likely benign for COL1A2-related condition. Last evaluated: 2023-07-18. Review status: no assertion criteria provided. Collection method: clinical testing. Allele origin: germline. Not counted in ClinVar's aggregate classification.
Comment: This variant is classified as likely benign based on ACMG/AMP sequence variant interpretation guidelines (Richards et al. 2015 PMID: 25741868, with internal and published modifications).

NM_000089.4(COL1A2):c.2880A>T (p.Ala960=)

Gene: COL1A2 (collagen type I alpha 2 chain; plus strand). Cytogenetic location: 7q21.3.
Variant type: single nucleotide variant.
Coding change: c.2880A>T on transcript NM_000089.4 (MANE Select); coding-DNA position 2880, A replaced by T.
Protein change: p.Ala960=; no amino-acid change (alanine 960 retained).
Molecular consequence: synonymous variant.
Genome position (GRCh38, 1-based): chr7:94,425,794, A>T. VCF-style: chr7-94425794-A-T. GRCh37 (hg19) VCF-style: chr7-94055106-A-T.
Identifiers: ClinVar variation 1797169 (VCV001797169.9), dbSNP rs773076754, ClinGen allele CA4347589.
Genomic context (GRCh38, chr7:94,425,794, plus strand): 5'-ATTTTGCCTTTGGTAGGGAGAGCGCGGTTACCCTGGCAATATTGGTCCCGTTGGTGCTGC[A>T]GGTGCACCTGGTCCTCATGGCCCCGTGGGTCCTGCTGGCAAACATGGAAACCGTGGTGAA-3'
Protein context (NP_000080.2, residues 950-970): YPGNIGPVGA[Ala960=]GAPGPHGPVG